The following is an entry in ClinVar:

ClinVar aggregate classification (germline): Likely benign (1 of 4 stars; one submission).

Allele frequency attached by ClinVar (database versions not stated): TOPMed 0.00001; ExAC 0.00003; ESP Exome Variant Server 0.00015.
gnomAD v4.1: 22 of 1,614,214 alleles (0.0014%); highest among the groups gnomAD compares: African/African-American, 0.0027%; no homozygotes.

Submission:

CeGaT Center for Human Genetics Tuebingen
Classification: Likely benign. Last evaluated: 2024-04-01. Review status: criteria provided, single submitter. Criteria: CeGaT Center For Human Genetics Tuebingen Variant Classification Criteria Version 2. Collection method: clinical testing. Allele origin: germline. Affected: yes. Observed: 1 variant allele.
Comment: TECTA: BP4, BP7

NM_005422.4(TECTA):c.2592C>T (p.Asn864=)

Genes: TBCEL-TECTA (TBCEL-TECTA readthrough; plus strand), TECTA (tectorin alpha; plus strand), LOC126861365 (P300/CBP strongly-dependent group 1 enhancer GRCh37_chr11:121000154-121001353; plus strand). Cytogenetic location: 11q23.3.
Variant type: single nucleotide variant.
Coding change: c.2592C>T on transcript NM_005422.4 (MANE Select); coding-DNA position 2592, C replaced by T.
Protein change: p.Asn864=; no amino-acid change (asparagine 864 retained).
Molecular consequence: synonymous variant.
Genome position (GRCh38, 1-based): chr11:121,129,862, C>T. VCF-style: chr11-121129862-C-T. GRCh37 (hg19) VCF-style: chr11-121000571-C-T.
Other names: c.3549C>T, p.Asn1183= (NM_001378761.1).
Identifiers: ClinVar variation 3234482 (VCV003234482.20), dbSNP rs377433816, ClinGen allele CA6327022.